The following is an entry in ClinVar:

NM_004366.6(CLCN2):c.2294A>G (p.Glu765Gly)

Gene: CLCN2 (chloride voltage-gated channel 2; minus strand). Cytogenetic location: 3q27.1.
Variant type: single nucleotide variant.
Coding change: c.2294A>G on transcript NM_004366.6 (MANE Select); coding-DNA position 2294, A replaced by G.
Protein change: p.Glu765Gly; replaces glutamic acid 765 with glycine.
Molecular consequence: missense variant.
Genome position (GRCh38, 1-based): chr3:184,352,309, T>C on the plus strand (A>G on the coding strand, the complement: CLCN2 is on the minus strand). VCF-style: chr3-184352309-T-C. GRCh37 (hg19) VCF-style: chr3-184070097-T-C.
Other names: c.2243A>G, p.Glu748Gly (NM_001171087.3); c.2162A>G, p.Glu721Gly (NM_001171088.3); c.2294A>G, p.Glu765Gly (NM_001171089.3); short protein forms E721G, E748G, E765G.
Identifiers: ClinVar variation 3257205 (VCV003257205.17).

ClinVar aggregate classification (germline): Uncertain significance (1 of 4 stars; one submission).

gnomAD v4.1: 25 of 1,613,486 alleles (0.0015%); highest among the groups gnomAD compares: Non-Finnish European, 0.0018%; no homozygotes.

Submission:

CeGaT Center for Human Genetics Tuebingen
Classification: Uncertain significance. Last evaluated: 2024-07-01. Review status: criteria provided, single submitter. Criteria: CeGaT Center For Human Genetics Tuebingen Variant Classification Criteria Version 2. Collection method: clinical testing. Allele origin: germline. Affected: yes. Observed: 1 variant allele.
Comment: CLCN2: PM2, BP4